The following is an entry in ClinVar:

ClinVar aggregate classification (germline): Uncertain significance (1 of 4 stars; one submission).

Conditions:
Combined immunodeficiency due to DOCK8 deficiency (HIES2). Also called: HIES autosomal recessive; HYPER-IgE RECURRENT INFECTION SYNDROME 2, AUTOSOMAL RECESSIVE; DOCK8 Deficiency; HYPER-IgE SYNDROME 2, AUTOSOMAL RECESSIVE, WITH RECURRENT INFECTIONS; Hyper-IgE recurrent infection syndrome, autosomal recessive. Identifiers: Orphanet 217390, MedGen C4722305, MONDO:0009478, OMIM 243700.

Submission:

Labcorp Genetics (formerly Invitae), Labcorp
Classification: Uncertain significance for Combined immunodeficiency due to DOCK8 deficiency. Last evaluated: 2021-10-24. Review status: criteria provided, single submitter. Criteria: Invitae Variant Classification Sherloc (09022015). Collection method: clinical testing. Allele origin: germline.
Comment: This sequence change replaces serine with asparagine at codon 1145 of the DOCK8 protein (p.Ser1145Asn). The serine residue is moderately conserved and there is a small physicochemical difference between serine and asparagine. This variant is not present in population databases (ExAC no frequency). This variant has not been reported in the literature in individuals affected with DOCK8-related conditions. Algorithms developed to predict the effect of missense changes on protein structure and function output the following: SIFT: "Tolerated"; PolyPhen-2: "Benign"; Align-GVGD: "Class C0". The asparagine amino acid residue is found in multiple mammalian species, which suggests that this missense change does not adversely affect protein function. In summary, the available evidence is currently insufficient to determine the role of this variant in disease. Therefore, it has been classified as a Variant of Uncertain Significance.

NM_203447.4(DOCK8):c.3434G>A (p.Ser1145Asn)

Gene: DOCK8 (dedicator of cytokinesis 8; plus strand). Cytogenetic location: 9p24.3.
Variant type: single nucleotide variant.
Coding change: c.3434G>A on transcript NM_203447.4 (MANE Select); coding-DNA position 3434, G replaced by A.
Protein change: p.Ser1145Asn; replaces serine 1145 with asparagine.
Molecular consequence: missense variant.
Genome position (GRCh38, 1-based): chr9:406,973, G>A. VCF-style: chr9-406973-G-A. GRCh37 (hg19) VCF-style: chr9-406973-G-A.
Other names: c.3134G>A, p.Ser1045Asn (NM_001190458.2); c.3230G>A, p.Ser1077Asn (NM_001193536.2); short protein forms S1145N, S1045N, S1077N.
Identifiers: ClinVar variation 1433642 (VCV001433642.6), dbSNP rs2131549124, ClinGen allele CA372758396.